The following is an entry in ClinVar:

NM_006059.4(LAMC3):c.4127A>C (p.Lys1376Thr)

Gene: LAMC3 (laminin subunit gamma 3; plus strand). Cytogenetic location: 9q34.12.
Variant type: single nucleotide variant.
Coding change: c.4127A>C on transcript NM_006059.4 (MANE Select); coding-DNA position 4127, A replaced by C.
Protein change: p.Lys1376Thr; replaces lysine 1376 with threonine.
Molecular consequence: missense variant.
Genome position (GRCh38, 1-based): chr9:131,085,620, A>C. VCF-style: chr9-131085620-A-C. GRCh37 (hg19) VCF-style: chr9-133961007-A-C.
Other names: short protein forms K1376T.
Identifiers: ClinVar variation 1307753 (VCV001307753.6), dbSNP rs200336679, ClinGen allele CA5288057.

ClinVar aggregate classification (germline): Uncertain significance. Review status: criteria provided, multiple submitters, no conflicts (2 of 4 stars). 3 submissions from 3 submitters: Uncertain significance (3). Last evaluated 2025-03-26.

Conditions:
Inborn genetic diseases. Identifiers: MedGen C0950123, MeSH D030342.

Allele frequency attached by ClinVar (database versions not stated): gnomAD exomes 0.00007 and 0.00004; ExAC 0.00005; ESP Exome Variant Server 0.00008; TOPMed 0.00006.
gnomAD v4.1: 104 of 1,614,068 alleles (0.0064%); highest among the groups gnomAD compares: Non-Finnish European, 0.0085%; no homozygotes.

Submissions (3):

Ambry Genetics
Classification: Uncertain significance for Inborn genetic diseases. Last evaluated: 2025-03-26. Review status: criteria provided, single submitter. Criteria: Ambry Variant Classification Scheme 2023. Collection method: clinical testing. Allele origin: germline.

Labcorp Genetics (formerly Invitae), Labcorp
Classification: Uncertain significance. Last evaluated: 2022-07-27. Review status: criteria provided, single submitter. Criteria: Invitae Variant Classification Sherloc (09022015). Collection method: clinical testing. Allele origin: germline.
Comment: This sequence change replaces lysine, which is basic and polar, with threonine, which is neutral and polar, at codon 1376 of the LAMC3 protein (p.Lys1376Thr). This variant is present in population databases (rs200336679, gnomAD 0.007%). This variant has not been reported in the literature in individuals affected with LAMC3-related conditions. ClinVar contains an entry for this variant (Variation ID: 1307753). Algorithms developed to predict the effect of missense changes on protein structure and function (SIFT, PolyPhen-2, Align-GVGD) all suggest that this variant is likely to be tolerated. In summary, the available evidence is currently insufficient to determine the role of this variant in disease. Therefore, it has been classified as a Variant of Uncertain Significance.

GeneDx
Classification: Uncertain significance. Last evaluated: 2019-08-21. Review status: criteria provided, single submitter. Criteria: GeneDx Variant Classification Process June 2021. Collection method: clinical testing. Allele origin: germline. Affected: yes.
Comment: Not observed at a significant frequency in large population cohorts (Lek et al., 2016); In silico analysis, which includes protein predictors and evolutionary conservation, supports a deleterious effect; Has not been previously published as pathogenic or benign to our knowledge